The following is an entry in ClinVar:

NM_000179.3(MSH6):c.2893A>G (p.Arg965Gly)

Gene: MSH6 (mutS homolog 6; plus strand). Cytogenetic location: 2p16.3.
Variant type: single nucleotide variant.
Coding change: c.2893A>G on transcript NM_000179.3 (MANE Select); coding-DNA position 2893, A replaced by G.
Protein change: p.Arg965Gly; replaces arginine 965 with glycine.
Molecular consequence: missense variant.
Genome position (GRCh38, 1-based): chr2:47,800,876, A>G. VCF-style: chr2-47800876-A-G. GRCh37 (hg19) VCF-style: chr2-48028015-A-G.
Other names: c.2503A>G, p.Arg835Gly (NM_001281492.2); c.1987A>G, p.Arg663Gly (NM_001281493.2, NM_001281494.2); short protein forms R663G, R835G, R965G.
Identifiers: ClinVar variation 857341 (VCV000857341.14), dbSNP rs1669524222, ClinGen allele CA346756076.

ClinVar aggregate classification (germline): Uncertain significance. Review status: criteria provided, multiple submitters, no conflicts (2 of 4 stars). 3 submissions from 3 submitters: Uncertain significance (3). Last evaluated 2025-09-30.

Conditions:
Hereditary cancer-predisposing syndrome. Also called: Tumor predisposition; Hereditary neoplastic syndrome; Neoplastic Syndromes, Hereditary; Hereditary Cancer Syndrome. Identifiers: Orphanet 140162, MedGen C0027672, MeSH D009386, MONDO:0015356.
Hereditary nonpolyposis colorectal neoplasms. Identifiers: MedGen C0009405, MeSH D003123.

Submissions (3):

Labcorp Genetics (formerly Invitae), Labcorp
Classification: Uncertain significance for Hereditary nonpolyposis colorectal neoplasms. Last evaluated: 2025-09-30. Review status: criteria provided, single submitter. Criteria: Invitae Variant Classification Sherloc (09022015). Collection method: clinical testing. Allele origin: germline.
Comment: This sequence change replaces arginine, which is basic and polar, with glycine, which is neutral and non-polar, at codon 965 of the MSH6 protein (p.Arg965Gly). This variant is not present in population databases (gnomAD no frequency). This variant has not been reported in the literature in individuals affected with MSH6-related conditions. ClinVar contains an entry for this variant (Variation ID: 857341). Invitae Evidence Modeling of protein sequence and biophysical properties (such as structural, functional, and spatial information, amino acid conservation, physicochemical variation, residue mobility, and thermodynamic stability) indicates that this missense variant is not expected to disrupt MSH6 protein function with a negative predictive value of 95%. In summary, the available evidence is currently insufficient to determine the role of this variant in disease. Therefore, it has been classified as a Variant of Uncertain Significance.

Color Diagnostics, LLC DBA Color Health
Classification: Uncertain significance for Hereditary cancer-predisposing syndrome. Last evaluated: 2021-08-04. Review status: criteria provided, single submitter. Criteria: ACMG Guidelines, 2015. Collection method: clinical testing. Allele origin: germline.
Comment: This missense variant replaces arginine with glycine at codon 965 of the MSH6 protein. Computational prediction is inconclusive regarding the impact of this variant on protein structure and function (internally defined REVEL score threshold 0.5 < inconclusive < 0.7, PMID: 27666373). To our knowledge, functional studies have not been reported for this variant. This variant has not been reported in individuals affected with hereditary cancer in the literature. This variant has not been identified in the general population by the Genome Aggregation Database (gnomAD). The available evidence is insufficient to determine the role of this variant in disease conclusively. Therefore, this variant is classified as a Variant of Uncertain Significance.

Ambry Genetics
Classification: Uncertain significance for Hereditary cancer-predisposing syndrome. Last evaluated: 2021-03-25. Review status: criteria provided, single submitter. Criteria: Ambry Variant Classification Scheme 2023. Collection method: clinical testing. Allele origin: germline.
Comment: The p.R965G variant (also known as c.2893A>G), located in coding exon 4 of the MSH6 gene, results from an A to G substitution at nucleotide position 2893. The arginine at codon 965 is replaced by glycine, an amino acid with dissimilar properties. This amino acid position is not well conserved in available vertebrate species. In addition, the in silico prediction for this alteration is inconclusive. Since supporting evidence is limited at this time, the clinical significance of this alteration remains unclear.